The following is an entry in ClinVar:

ClinVar aggregate classification (germline): Benign/Likely benign. Review status: criteria provided, multiple submitters, no conflicts (2 of 4 stars). 5 submissions from 5 submitters: Benign (3); Likely benign (1). 1 of the submissions does not count toward it. Last evaluated 2026-09-01.

Conditions:
KMT2C-related disorder. Also called: KMT2C-related disorders; KMT2C-related condition.

Allele frequency attached by ClinVar (database versions not stated): 1000 Genomes Project 0.00280; 1000 Genomes Project 30x 0.00281; gnomAD 0.00436 and 0.00440; ExAC 0.00444; TOPMed 0.00463; gnomAD exomes 0.00464; ESP Exome Variant Server 0.00492.
gnomAD v4.1: 8,903 of 1,614,224 alleles (0.55%); highest among the groups gnomAD compares: Middle Eastern, 0.71%; 27 homozygotes.

Submissions (5):

CeGaT Center for Human Genetics Tuebingen
Classification: Benign. Last evaluated: 2026-09-01. Review status: criteria provided, single submitter. Criteria: CeGaT Center For Human Genetics Tuebingen Variant Classification Criteria Version 2. Collection method: clinical testing. Allele origin: germline. Affected: yes. Observed: 45 variant alleles.
Comment: KMT2C: BP4, BP7, BS1, BS2

Labcorp Genetics (formerly Invitae), Labcorp
Classification: Benign. Last evaluated: 2026-01-12. Review status: criteria provided, single submitter. Criteria: Invitae Variant Classification Sherloc (09022015). Collection method: clinical testing. Allele origin: germline.

Blueprint Genetics
Classification: Likely benign. Last evaluated: 2024-11-26. Review status: criteria provided, single submitter. Criteria: ACMG Guidelines, 2015. Collection method: clinical testing. Allele origin: germline.

Breakthrough Genomics
Classification: Benign. Review status: criteria provided, single submitter. Criteria: ACMG Guidelines, 2015. Collection method: not provided. Allele origin: germline. Inheritance: Autosomal dominant inheritance. Affected: yes.

PreventionGenetics, part of Exact Sciences
Classification: Benign for KMT2C-related condition. Last evaluated: 2022-03-08. Review status: no assertion criteria provided. Collection method: clinical testing. Allele origin: germline. Not counted in ClinVar's aggregate classification.
Comment: This variant is classified as benign based on ACMG/AMP sequence variant interpretation guidelines (Richards et al. 2015 PMID: 25741868, with internal and published modifications).

NM_170606.3(KMT2C):c.10911C>T (p.Ile3637=)

Gene: KMT2C (lysine methyltransferase 2C; minus strand). Cytogenetic location: 7q36.1.
Variant type: single nucleotide variant.
Coding change: c.10911C>T on transcript NM_170606.3 (MANE Select); coding-DNA position 10911, C replaced by T.
Protein change: p.Ile3637=; no amino-acid change (isoleucine 3637 retained).
Molecular consequence: synonymous variant.
Genome position (GRCh38, 1-based): chr7:152,162,666, G>A on the plus strand (C>T on the coding strand, the complement: KMT2C is on the minus strand). VCF-style: chr7-152162666-G-A. GRCh37 (hg19) VCF-style: chr7-151859751-G-A.
Identifiers: ClinVar variation 770568 (VCV000770568.42), dbSNP rs138353962, ClinGen allele CA4579209.